The following is an entry in ClinVar:

ClinVar aggregate classification (germline): Uncertain significance. Review status: criteria provided, multiple submitters, no conflicts (2 of 4 stars). 2 submissions from 2 submitters: Uncertain significance (2). Last evaluated 2026-02-21.

Conditions:
Retinoblastoma (RB1). Also called: RETINOBLASTOMA, SOMATIC. Identifiers: Orphanet 790, MedGen C0035335, MeSH D012175, MONDO:0008380, OMIM 180200, HP:0009919. Disease mechanism: loss of function. Inheritance: Both sporadic and heritable forms are tested..
Hereditary cancer-predisposing syndrome. Also called: Neoplastic Syndromes, Hereditary; Hereditary neoplastic syndrome; Tumor predisposition; Hereditary Cancer Syndrome. Identifiers: Orphanet 140162, MedGen C0027672, MeSH D009386, MONDO:0015356.

Submissions (2):

Ambry Genetics
Classification: Uncertain significance for Hereditary cancer-predisposing syndrome. Last evaluated: 2026-02-21. Review status: criteria provided, single submitter. Criteria: Ambry Variant Classification Scheme 2023. Collection method: clinical testing. Allele origin: germline.
Comment: The p.S83F variant (also known as c.248C>T), located in coding exon 2 of the RB1 gene, results from a C to T substitution at nucleotide position 248. The serine at codon 83 is replaced by phenylalanine, an amino acid with highly dissimilar properties. This amino acid position is conserved. In addition, this alteration is predicted to be tolerated by in silico analysis. Based on the available evidence, the clinical significance of this variant remains unclear.

Labcorp Genetics (formerly Invitae), Labcorp
Classification: Uncertain significance for Retinoblastoma. Last evaluated: 2018-12-01. Review status: criteria provided, single submitter. Criteria: Invitae Variant Classification Sherloc (09022015). Collection method: clinical testing. Allele origin: germline.
Comment: Algorithms developed to predict the effect of missense changes on protein structure and function are either unavailable or do not agree on the potential impact of this missense change (SIFT: "Deleterious"; PolyPhen-2: "Benign"; Align-GVGD: "Class C0"). This variant has not been reported in the literature in individuals with RB1-related conditions. This variant is not present in population databases (ExAC no frequency). This sequence change replaces serine with phenylalanine at codon 83 of the RB1 protein (p.Ser83Phe). The serine residue is moderately conserved and there is a large physicochemical difference between serine and phenylalanine. In summary, the available evidence is currently insufficient to determine the role of this variant in disease. Therefore, it has been classified as a Variant of Uncertain Significance.

NM_000321.3(RB1):c.248C>T (p.Ser83Phe)

Gene: RB1 (RB transcriptional corepressor 1; plus strand). Cytogenetic location: 13q14.2.
Variant type: single nucleotide variant.
Coding change: c.248C>T on transcript NM_000321.3 (MANE Select); coding-DNA position 248, C replaced by T.
Protein change: p.Ser83Phe; replaces serine 83 with phenylalanine.
Molecular consequence: missense variant.
Genome position (GRCh38, 1-based): chr13:48,307,390, C>T. VCF-style: chr13-48307390-C-T. GRCh37 (hg19) VCF-style: chr13-48881526-C-T.
Other names: short protein forms S83F.
Identifiers: ClinVar variation 645507 (VCV000645507.9), dbSNP rs1593414429, ClinGen allele CA388250666.
Genomic context (GRCh38, chr13:48,307,390, plus strand): 5'-AATTAAAGATACCAGATCATGTCAGAGAGAGAGCTTGGTTAACTTGGGAGAAAGTTTCAT[C>T]TGTGGATGGAGTATTGGTAAGGATTTTCTTAAAACGTTTTGAAATTTTTTTTTCTCATTT-3'
Protein context (NP_000312.2, residues 73-93): RAWLTWEKVS[Ser83Phe]VDGVLGGYIQ